The following is an entry in ClinVar:

NM_005802.5(TOPORS):c.1694C>G (p.Ser565Cys)

Gene: TOPORS (TOP1 binding arginine/serine rich protein, E3 ubiquitin ligase; minus strand). Cytogenetic location: 9p21.1.
Variant type: single nucleotide variant.
Coding change: c.1694C>G on transcript NM_005802.5 (MANE Select); coding-DNA position 1694, C replaced by G.
Protein change: p.Ser565Cys; replaces serine 565 with cysteine.
Molecular consequence: missense variant.
Genome position (GRCh38, 1-based): chr9:32,542,831, G>C on the plus strand (C>G on the coding strand, the complement: TOPORS is on the minus strand). VCF-style: chr9-32542831-G-C. GRCh37 (hg19) VCF-style: chr9-32542829-G-C.
Other names: c.1499C>G, p.Ser500Cys (NM_001195622.2); short protein forms S565C, S500C.
Identifiers: ClinVar variation 2782094 (VCV002782094.3), dbSNP rs774501732, ClinGen allele CA5020489.

ClinVar aggregate classification (germline): Uncertain significance (1 of 4 stars; one submission).

Allele frequency attached by ClinVar (database versions not stated): TOPMed below 0.00001; gnomAD exomes 0.00001; ExAC 0.00002.

Submission:

Labcorp Genetics (formerly Invitae), Labcorp
Classification: Uncertain significance. Last evaluated: 2023-12-19. Review status: criteria provided, single submitter. Criteria: Invitae Variant Classification Sherloc (09022015). Collection method: clinical testing. Allele origin: germline.
Comment: This sequence change replaces serine, which is neutral and polar, with cysteine, which is neutral and slightly polar, at codon 565 of the TOPORS protein (p.Ser565Cys). This variant is present in population databases (rs774501732, gnomAD 0.01%). This variant has not been reported in the literature in individuals affected with TOPORS-related conditions. Algorithms developed to predict the effect of missense changes on protein structure and function output the following: SIFT: "Not Available"; PolyPhen-2: "Benign"; Align-GVGD: "Not Available". The cysteine amino acid residue is found in multiple mammalian species, which suggests that this missense change does not adversely affect protein function. In summary, the available evidence is currently insufficient to determine the role of this variant in disease. Therefore, it has been classified as a Variant of Uncertain Significance.